The following is an entry in ClinVar:

NM_001077653.2(TBX20):c.1099G>T (p.Ala367Ser)

Gene: TBX20 (T-box transcription factor 20; minus strand). Cytogenetic location: 7p14.2.
Variant type: single nucleotide variant.
Coding change: c.1099G>T on transcript NM_001077653.2 (MANE Select); coding-DNA position 1099, G replaced by T.
Protein change: p.Ala367Ser; replaces alanine 367 with serine.
Molecular consequence: missense variant.
Genome position (GRCh38, 1-based): chr7:35,202,675, C>A on the plus strand (G>T on the coding strand, the complement: TBX20 is on the minus strand). VCF-style: chr7-35202675-C-A. GRCh37 (hg19) VCF-style: chr7-35242287-C-A.
Other names: short protein forms A367S.
Identifiers: ClinVar variation 4740398 (VCV004740398.1).

ClinVar aggregate classification (germline): Uncertain significance (1 of 4 stars; one submission).

Submission:

Labcorp Genetics (formerly Invitae), Labcorp
Classification: Uncertain significance. Last evaluated: 2025-06-15. Review status: criteria provided, single submitter. Criteria: Invitae Variant Classification Sherloc (09022015). Collection method: clinical testing. Allele origin: germline.
Comment: This sequence change replaces alanine, which is neutral and non-polar, with serine, which is neutral and polar, at codon 367 of the TBX20 protein (p.Ala367Ser). This variant is not present in population databases (gnomAD no frequency). This variant has not been reported in the literature in individuals affected with TBX20-related conditions. Invitae Evidence Modeling of protein sequence and biophysical properties (such as structural, functional, and spatial information, amino acid conservation, physicochemical variation, residue mobility, and thermodynamic stability) indicates that this missense variant is not expected to disrupt TBX20 protein function with a negative predictive value of 80%. In summary, the available evidence is currently insufficient to determine the role of this variant in disease. Therefore, it has been classified as a Variant of Uncertain Significance.